The following is an entry in ClinVar:

ClinVar aggregate classification (germline): Uncertain significance (1 of 4 stars; one submission).

Conditions:
Cardiomyopathy (CMYO). Also called: Cardiomyopathies. Identifiers: Orphanet 167848, MedGen C0878544, MONDO:0004994, HP:0001638. Inheritance: Various modes of inheritance.

gnomAD v4.1: 1 of 1,614,124 alleles (0.000062%); no homozygotes.

Submission:

Color Diagnostics, LLC DBA Color Health
Classification: Uncertain significance for Cardiomyopathy. Last evaluated: 2025-05-25. Review status: criteria provided, single submitter. Criteria: ACMG Guidelines, 2015. Collection method: clinical testing. Allele origin: germline.
Comment: This missense variant replaces leucine with proline at codon 145 of the PKP2 protein. Computational prediction is inconclusive regarding the impact of this variant on protein structure and function. To our knowledge, functional studies have not been reported for this variant. This variant has not been reported in individuals affected with PKP2-related disorders in the literature. This variant has been identified in 1/251436 chromosomes in the general population by the Genome Aggregation Database (gnomAD). The available evidence is insufficient to determine the role of this variant in disease conclusively. Therefore, this variant is classified as a Variant of Uncertain Significance.

NM_001005242.3(PKP2):c.434T>C (p.Leu145Pro)

Gene: PKP2 (plakophilin 2; minus strand). Cytogenetic location: 12p11.21.
Variant type: single nucleotide variant.
Coding change: c.434T>C on transcript NM_001005242.3 (MANE Select); coding-DNA position 434, T replaced by C.
Protein change: p.Leu145Pro; replaces leucine 145 with proline.
Molecular consequence: missense variant.
Genome position (GRCh38, 1-based): chr12:32,878,446, A>G on the plus strand (T>C on the coding strand, the complement: PKP2 is on the minus strand). VCF-style: chr12-32878446-A-G. GRCh37 (hg19) VCF-style: chr12-33031380-A-G.
Other names: c.434T>C, p.Leu145Pro (NM_001407155.1, NM_001407156.1, NM_001407157.1 and 2 more transcripts); c.107T>C, p.Leu36Pro (NM_001407158.1, NM_001407159.1, NM_001407160.1 and 1 more transcripts); short protein forms L145P, L36P.
Identifiers: ClinVar variation 4756746 (VCV004756746.1).